The following is an entry in ClinVar:

ClinVar aggregate classification (germline): Uncertain significance. Review status: reviewed by expert panel (3 of 4 stars). 2 submissions from 2 submitters: Uncertain significance (1). 1 of the submissions does not count toward it. Last evaluated 2025-01-15.

Conditions:
Hereditary thrombocytopenia and hematologic cancer predisposition syndrome. Identifiers: Orphanet 71290, MedGen CN281654, MONDO:0011071.

gnomAD v4.1: 6 of 1,614,172 alleles (0.00037%); highest among the groups gnomAD compares: South Asian, 0.0066%; no homozygotes.

Submissions (2):

ClinGen Myeloid Malignancy Variant Curation Expert Panel
Classification: Uncertain significance for Hereditary thrombocytopenia and hematologic cancer predisposition syndrome. Last evaluated: 2025-01-15. Review status: reviewed by expert panel. Criteria: ClinGen MyeloMalig ACMG Specifications v2. Collection method: curation. Allele origin: germline. Inheritance: Autosomal dominant inheritance.
Comment: NM_001754.5(RUNX1):c.926G>A (p.Gly309Asp) is a missense variant which does not meet any ACMG/AMP criteria. In summary, the clinical significance of this variant is uncertain. ACMG/AMP criteria applied, as specified by the Myeloid Malignancy Variant Curation Expert Panel for RUNX1: None

GeneDx
Classification: Uncertain significance. Last evaluated: 2023-04-16. Review status: criteria provided, single submitter. Criteria: GeneDx Variant Classification Process June 2021. Collection method: clinical testing. Allele origin: germline. Affected: yes. Not counted in ClinVar's aggregate classification.
Comment: Not observed at significant frequency in large population cohorts (gnomAD); In silico analysis supports that this missense variant does not alter protein structure/function; Has not been previously published as pathogenic or benign to our knowledge

NM_001754.5(RUNX1):c.926G>A (p.Gly309Asp)

Gene: RUNX1 (RUNX family transcription factor 1; minus strand). Cytogenetic location: 21q22.12.
Variant type: single nucleotide variant.
Coding change: c.926G>A on transcript NM_001754.5 (MANE Select); coding-DNA position 926, G replaced by A.
Protein change: p.Gly309Asp; replaces glycine 309 with aspartic acid.
Molecular consequence: missense variant.
Genome position (GRCh38, 1-based): chr21:34,799,342, C>T on the plus strand (G>A on the coding strand, the complement: RUNX1 is on the minus strand). VCF-style: chr21-34799342-C-T. GRCh37 (hg19) VCF-style: chr21-36171639-C-T.
Other names: NM_001754.5(RUNX1):c.926G>A; p.Gly309Asp; c.845G>A, p.Gly282Asp (NM_001001890.3); short protein forms G282D, G309D.
Identifiers: ClinVar variation 3343122 (VCV003343122.2).